The following is an entry in ClinVar:

ClinVar aggregate classification (germline): Benign. Review status: criteria provided, multiple submitters, no conflicts (2 of 4 stars). 3 submissions from 3 submitters: Benign (2). 1 of the submissions does not count toward it. Last evaluated 2026-02-03.

Conditions:
FBN3-related disorder. Also called: FBN3-related condition.

Allele frequency attached by ClinVar (database versions not stated): gnomAD exomes 0.20652 and 0.26608; gnomAD 0.21995 and 0.22862; 1000 Genomes Project 30x 0.31855; 1000 Genomes Project 0.32728; ESP Exome Variant Server 0.20758; TOPMed 0.23965; ExAC 0.26619.
gnomAD v4.1: 337,543 of 1,612,480 alleles (21%); highest among the groups gnomAD compares: East Asian, 45%; 40,854 homozygotes.

Submissions (3):

Labcorp Genetics (formerly Invitae), Labcorp
Classification: Benign. Last evaluated: 2026-02-03. Review status: criteria provided, single submitter. Criteria: Invitae Variant Classification Sherloc (09022015). Collection method: clinical testing. Allele origin: germline.

Breakthrough Genomics
Classification: Benign. Review status: criteria provided, single submitter. Criteria: ACMG Guidelines, 2015. Collection method: not provided. Allele origin: germline. Inheritance: Unknown mechanism. Affected: yes.

PreventionGenetics, part of Exact Sciences
Classification: Benign for FBN3-related condition. Last evaluated: 2019-10-17. Review status: no assertion criteria provided. Collection method: clinical testing. Allele origin: germline. Not counted in ClinVar's aggregate classification.
Comment: This variant is classified as benign based on ACMG/AMP sequence variant interpretation guidelines (Richards et al. 2015 PMID: 25741868, with internal and published modifications).

NM_032447.5(FBN3):c.986C>T (p.Pro329Leu)

Gene: FBN3 (fibrillin 3; minus strand). Cytogenetic location: 19p13.2.
Variant type: single nucleotide variant.
Coding change: c.986C>T on transcript NM_032447.5 (MANE Select); coding-DNA position 986, C replaced by T.
Protein change: p.Pro329Leu; replaces proline 329 with leucine.
Molecular consequence: missense variant.
Genome position (GRCh38, 1-based): chr19:8,138,444, G>A on the plus strand (C>T on the coding strand, the complement: FBN3 is on the minus strand). VCF-style: chr19-8138444-G-A. GRCh37 (hg19) VCF-style: chr19-8203328-G-A.
Other names: c.986C>T (NM_001321431.1); c.986C>T, p.Pro329Leu (NM_001321431.2); short protein forms P329L.
Identifiers: ClinVar variation 1600608 (VCV001600608.11), dbSNP rs7246376, ClinGen allele CA9153519.